The following is an entry in ClinVar:

NM_000261.2(MYOC):c.938C>T (p.Ser313Phe)

Gene: MYOC (myocilin; minus strand). Cytogenetic location: 1q24.3.
Variant type: single nucleotide variant.
Coding change: c.938C>T on transcript NM_000261.2 (MANE Select); coding-DNA position 938, C replaced by T.
Protein change: p.Ser313Phe; replaces serine 313 with phenylalanine.
Molecular consequence: missense variant.
Genome position (GRCh38, 1-based): chr1:171,636,502, G>A on the plus strand (C>T on the coding strand, the complement: MYOC is on the minus strand). VCF-style: chr1-171636502-G-A. GRCh37 (hg19) VCF-style: chr1-171605642-G-A.
Other names: NM_000261.2:c.938C>T; short protein forms S313F.
Identifiers: ClinVar variation 2442282 (VCV002442282.2), dbSNP rs376895063, ClinGen allele CA1244115.

ClinVar aggregate classification (germline): Uncertain significance (3 of 4 stars; one submission).

Conditions:
Open-angle glaucoma. Identifiers: MedGen C0017612, MONDO:0005338, HP:0012108.

Allele frequency attached by ClinVar (database versions not stated): 1000 Genomes Project 0.00020; 1000 Genomes Project 30x 0.00016.
gnomAD v4.1: 15 of 1,612,748 alleles (0.00093%); highest among the groups gnomAD compares: East Asian, 0.029%; no homozygotes.

Submission:

ClinGen Glaucoma Variant Curation Expert Panel
Classification: Uncertain significance for Open-angle glaucoma. Last evaluated: 2026-01-20. Review status: reviewed by expert panel. Criteria: ClinGen Glaucoma ACMG Specifications V2.0.0 Approved. Collection method: curation. Allele origin: germline. Inheritance: Autosomal dominant inheritance.
Comment: The c.938C>T variant in MYOC is a missense variant predicted to cause substitution of Serine by Phenylalanine at amino acid 313 (p.Ser313Phe). The highest minor allele frequency of this variant was in the East Asian genetic ancestry group of gnomAD (v4.1.0) = 0.0002897 (13 alleles out of 44,872), which did not meet the PM2_Supporting allele frequency threshold (≤ 0.0001) or the BS1 allele frequency threshold (≥ 0.001). The REVEL score = 0.554, which was neither above nor below the thresholds for PP3 (≥ 0.644) or BP4 (≤ 0.290), predicting a damaging or benign impact on MYOC function. The Ser313Phe protein was assessed in this assay (PMID: 36579626), however, the results of this study were inconsistent and functional evidence was not included. Although probands with primary open angle glaucoma have been reported carrying this variant, PM2_Supporting was not met, therefore PS4 did not apply. In summary, this variant did not meet any criteria, receiving a score of 0 and a classification as a variant of uncertain significance (uncertain significance classification range -1 to 5, adapted from PMID: 32720330) for primary open angle glaucoma based on the ACMG/AMP criteria met, as specified by the ClinGen Glaucoma VCEP (v2.0.0, 5 Dec 2024): none.